The following is an entry in ClinVar:

NM_206965.2(FTCD):c.527C>T (p.Thr176Met)

Genes: FTCD (formimidoyltransferase cyclodeaminase; minus strand), FTCD-AS1 (FTCD antisense RNA 1; plus strand). Cytogenetic location: 21q22.3.
Variant type: single nucleotide variant.
Coding change: c.527C>T on transcript NM_206965.2 (MANE Select); coding-DNA position 527, C replaced by T.
Protein change: p.Thr176Met; replaces threonine 176 with methionine.
Molecular consequence: missense variant. On other transcripts: non-coding transcript variant (1).
Genome position (GRCh38, 1-based): chr21:46,151,667, G>A on the plus strand (C>T on the coding strand, the complement: FTCD is on the minus strand). VCF-style: chr21-46151667-G-A. GRCh37 (hg19) VCF-style: chr21-47571581-G-A.
Other names: c.527C>T, p.Thr176Met (NM_001320412.2, NM_006657.3); short protein forms T176M.
Identifiers: ClinVar variation 4749147 (VCV004749147.1).

ClinVar aggregate classification (germline): Uncertain significance (1 of 4 stars; one submission).

Conditions:
Glutamate formiminotransferase deficiency. Also called: Arakawa syndrome 1; Formiminoglutamic aciduria. Identifiers: Orphanet 51208, MedGen C0268609, MONDO:0009240, OMIM 229100.

gnomAD v4.1: 3 of 1,613,022 alleles (0.00019%); highest among the groups gnomAD compares: South Asian, 0.0022%; no homozygotes.

Submission:

Labcorp Genetics (formerly Invitae), Labcorp
Classification: Uncertain significance for Glutamate formiminotransferase deficiency. Last evaluated: 2025-04-02. Review status: criteria provided, single submitter. Criteria: Invitae Variant Classification Sherloc (09022015). Collection method: clinical testing. Allele origin: germline.
Comment: This sequence change replaces threonine, which is neutral and polar, with methionine, which is neutral and non-polar, at codon 176 of the FTCD protein (p.Thr176Met). This variant is not present in population databases (gnomAD no frequency). This variant has not been reported in the literature in individuals affected with FTCD-related conditions. Invitae Evidence Modeling of protein sequence and biophysical properties (such as structural, functional, and spatial information, amino acid conservation, physicochemical variation, residue mobility, and thermodynamic stability) indicates that this missense variant is not expected to disrupt FTCD protein function with a negative predictive value of 80%. In summary, the available evidence is currently insufficient to determine the role of this variant in disease. Therefore, it has been classified as a Variant of Uncertain Significance.